The following is an entry in ClinVar:

NM_206933.4(USH2A):c.14895del (p.Val4965_Leu4966insTer)

Gene: USH2A (usherin; minus strand). Cytogenetic location: 1q41.
Variant type: Deletion.
Coding change: c.14895del on transcript NM_206933.4 (MANE Select); coding-DNA position 14895, one base deleted (G; older notation c.14895delG).
Protein change: p.Val4965_Leu4966insTer.
Molecular consequence: frameshift variant.
Genome position (GRCh38, 1-based): chr1:215,640,631, C deleted on the plus strand (G on the coding strand, the reverse complement: USH2A is on the minus strand). VCF-style (leftmost placement, unchanged base first): chr1-215640630-AC-A. GRCh37 (hg19) VCF-style: chr1-215813972-AC-A.
Identifiers: ClinVar variation 813244 (VCV000813244.2), dbSNP rs1656646424, ClinGen allele CA1139656546.

ClinVar aggregate classification (germline): Pathogenic. Review status: criteria provided, multiple submitters, no conflicts (2 of 4 stars). 2 submissions from 2 submitters: Pathogenic (2). Last evaluated 2025-06-04.

Conditions:
Retinitis pigmentosa (RP). Identifiers: Orphanet 791, MedGen C0035334, MeSH D012174, MONDO:0019200, OMIM 268000. Inheritance: Autosomal dominant, autosomal recessive and X linked inheritance.

Submissions (2):

Labcorp Genetics (formerly Invitae), Labcorp
Classification: Pathogenic. Last evaluated: 2025-06-04. Review status: criteria provided, single submitter. Criteria: Invitae Variant Classification Sherloc (09022015). Collection method: clinical testing. Allele origin: germline.
Comment: This sequence change creates a premature translational stop signal (p.Leu4966*) in the USH2A gene. It is expected to result in an absent or disrupted protein product. Loss-of-function variants in USH2A are known to be pathogenic (PMID: 10729113, 10909849, 20507924, 25649381). This variant is not present in population databases (gnomAD no frequency). This premature translational stop signal has been observed in individual(s) with USH2A-related conditions (PMID: 32531858). ClinVar contains an entry for this variant (Variation ID: 813244). For these reasons, this variant has been classified as Pathogenic.

Molecular Genetics Laboratory, Institute for Ophthalmic Research
Classification: Pathogenic for Retinitis pigmentosa. Last evaluated: 2020-01-09. Review status: criteria provided, single submitter. Criteria: ACMG Guidelines, 2015. Collection method: research. Allele origin: germline. Affected: yes.

Literature cited by the submitters: PubMed 10729113 (cited by Labcorp Genetics (formerly Invitae), Labcorp); PubMed 10909849 (cited by Labcorp Genetics (formerly Invitae), Labcorp); PubMed 20507924 (cited by Labcorp Genetics (formerly Invitae), Labcorp); PubMed 25649381 (cited by Labcorp Genetics (formerly Invitae), Labcorp); PubMed 32531858 (cited by Labcorp Genetics (formerly Invitae), Labcorp).